The following is an entry in ClinVar:

ClinVar aggregate classification (germline): Uncertain significance (1 of 4 stars; one submission).

Submission:

GeneDx
Classification: Uncertain significance. Last evaluated: 2023-12-12. Review status: criteria provided, single submitter. Criteria: GeneDx Variant Classification Process June 2021. Collection method: clinical testing. Allele origin: germline. Affected: yes.
Comment: Not observed at significant frequency in large population cohorts (gnomAD); In silico analysis supports that this missense variant has a deleterious effect on protein structure/function; Has not been previously published as pathogenic or benign to our knowledge

NM_170606.3(KMT2C):c.9977C>T (p.Pro3326Leu)

Gene: KMT2C (lysine methyltransferase 2C; minus strand). Cytogenetic location: 7q36.1.
Variant type: single nucleotide variant.
Coding change: c.9977C>T on transcript NM_170606.3 (MANE Select); coding-DNA position 9977, C replaced by T.
Protein change: p.Pro3326Leu; replaces proline 3326 with leucine.
Molecular consequence: missense variant.
Genome position (GRCh38, 1-based): chr7:152,163,600, G>A on the plus strand (C>T on the coding strand, the complement: KMT2C is on the minus strand). VCF-style: chr7-152163600-G-A. GRCh37 (hg19) VCF-style: chr7-151860685-G-A.
Other names: short protein forms P3326L.
Identifiers: ClinVar variation 3365331 (VCV003365331.1).